The following is an entry in ClinVar:

NM_001374736.1(DST):c.19406G>A (p.Arg6469Gln)

Gene: DST (dystonin; minus strand). Cytogenetic location: 6p12.1.
Variant type: single nucleotide variant.
Coding change: c.19406G>A on transcript NM_001374736.1 (MANE Select); coding-DNA position 19406, G replaced by A.
Protein change: p.Arg6469Gln; replaces arginine 6469 with glutamine.
Molecular consequence: missense variant.
Genome position (GRCh38, 1-based): chr6:56,506,501, C>T on the plus strand (G>A on the coding strand, the complement: DST is on the minus strand). VCF-style: chr6-56506501-C-T. GRCh37 (hg19) VCF-style: chr6-56371299-C-T.
Other names: p.Arg3846Gln; c.13049G>A, p.Arg4350Gln (NM_001144769.5); c.12635G>A, p.Arg4212Gln (NM_001144770.2); c.19406G>A, p.Arg6469Gln (NM_001374722.1); c.18446G>A, p.Arg6149Gln (NM_001374729.1); c.12188G>A, p.Arg4063Gln (NM_001374730.1); c.19433G>A, p.Arg6478Gln (NM_001374734.1); c.11537G>A, p.Arg3846Gln (NM_015548.5); and 1 more; short protein forms R4172Q, R6478Q, R3846Q, R4350Q, R6149Q, R6469Q, R4063Q, R4212Q.
Identifiers: ClinVar variation 970875 (VCV000970875.8), dbSNP rs767731448, ClinGen allele CA3867004.

ClinVar aggregate classification (germline): Uncertain significance. Review status: criteria provided, multiple submitters, no conflicts (2 of 4 stars). 3 submissions from 3 submitters: Uncertain significance (3). Last evaluated 2023-11-01.

Conditions:
Epidermolysis bullosa simplex 3, localized or generalized intermediate, with BP230 deficiency (EBS3). Also called: Epidermolysis bullosa simplex, autosomal recessive 2; Epidermolysis bullosa simplex due to BP230 deficiency. Identifiers: Orphanet 412181, MedGen C3809470, MONDO:0014180, OMIM 615425.
Hereditary sensory and autonomic neuropathy type 6. Also called: Neuropathy, hereditary sensory and autonomic, type VI; HSAN VI. Identifiers: Orphanet 314381, MedGen C3539003, MONDO:0013839, OMIM 614653.
Inborn genetic diseases. Identifiers: MedGen C0950123, MeSH D030342.

Allele frequency attached by ClinVar (database versions not stated): ExAC 0.00002; gnomAD exomes 0.00004; gnomAD 0.00008 and 0.00010; TOPMed 0.00015.
gnomAD v4.1: 89 of 1,612,992 alleles (0.0055%); highest among the groups gnomAD compares: Admixed American, 0.013%; no homozygotes.

Submissions (3):

Mayo Clinic Laboratories, Mayo Clinic
Classification: Uncertain significance. Last evaluated: 2023-11-01. Review status: criteria provided, single submitter. Criteria: ACMG Guidelines, 2015. Collection method: clinical testing. Allele origin: germline. Observed: 2 variant alleles.
Comment: PM2_moderate

Ambry Genetics
Classification: Uncertain significance for Inborn genetic diseases. Last evaluated: 2023-09-19. Review status: criteria provided, single submitter. Criteria: Ambry Variant Classification Scheme 2023. Collection method: clinical testing. Allele origin: germline.

Labcorp Genetics (formerly Invitae), Labcorp
Classification: Uncertain significance for Epidermolysis bullosa simplex 3, localized or generalized intermediate, with BP230 deficiency; Hereditary sensory and autonomic neuropathy type 6. Last evaluated: 2022-08-19. Review status: criteria provided, single submitter. Criteria: Invitae Variant Classification Sherloc (09022015). Collection method: clinical testing. Allele origin: germline.
Comment: The DST gene has multiple clinically relevant transcripts. This variant occurs in alternate transcript NM_015548.4, and corresponds to NM_001723.5:c.*109016G>A in the primary transcript. This sequence change replaces arginine, which is basic and polar, with glutamine, which is neutral and polar, at codon 3846 of the DST protein (p.Arg3846Gln). This variant is present in population databases (rs767731448, gnomAD 0.007%). This variant has not been reported in the literature in individuals affected with DST-related conditions. ClinVar contains an entry for this variant (Variation ID: 970875). Experimental studies and prediction algorithms are not available or were not evaluated, and the functional significance of this variant is currently unknown. In summary, the available evidence is currently insufficient to determine the role of this variant in disease. Therefore, it has been classified as a Variant of Uncertain Significance.